The following is an entry in ClinVar:

ClinVar aggregate classification (germline): Uncertain significance (1 of 4 stars; one submission).

Submission:

Dasa
Classification: Uncertain significance. Last evaluated: 2025-09-04. Review status: criteria provided, single submitter. Criteria: DASA Assertion Criteria. Collection method: clinical testing. Allele origin: germline.
Comment: NM_001123385.2(BCOR):c.1799A>G (p.Gln600Arg) is a missense variant that results in the substitution of glutamine with arginine. This variant is absent from population databases. The currently available literature and clinical evidence are not sufficient to establish a definitive association between this variant and the reported condition. Therefore, this variant is classified as a variant of uncertain significance.

NM_001123385.2(BCOR):c.1799A>G (p.Gln600Arg)

Gene: BCOR (BCL6 corepressor; minus strand). Cytogenetic location: Xp11.4.
Variant type: single nucleotide variant.
Coding change: c.1799A>G on transcript NM_001123385.2 (MANE Select); coding-DNA position 1799, A replaced by G.
Protein change: p.Gln600Arg; replaces glutamine 600 with arginine.
Molecular consequence: missense variant.
Genome position (GRCh38, 1-based): chrX:40,073,547, T>C on the plus strand (A>G on the coding strand, the complement: BCOR is on the minus strand). VCF-style: chrX-40073547-T-C. GRCh37 (hg19) VCF-style: chrX-39932800-T-C.
Other names: c.1799A>G, p.Gln600Arg (NM_001123383.2, NM_001123384.2, NM_001437510.1 and 4 more transcripts); short protein forms Q600R.
Identifiers: ClinVar variation 4885538 (VCV004885538.2).
Genomic context (GRCh38, chrX:40,073,547, plus strand): 5'-CTGGCTTTGGCGCCCTTGCTGCTGGTGCTGCTACTGTGCTTGGCAGGAGTGGCCGGGGGC[T>C]GGCCCACGTGCTGAATAACGGATGGTGTGGTTTCTACAGAGCTCCTGCTGGTTTTGGTGC-3'
Protein context (NP_001116857.1, residues 590-610): TTPSVIQHVG[Gln600Arg]PPATPAKHSS